The following is an entry in ClinVar:

NM_023110.3(FGFR1):c.173G>A (p.Arg58Gln)

Gene: FGFR1 (fibroblast growth factor receptor 1; minus strand). Cytogenetic location: 8p11.23.
Variant type: single nucleotide variant.
Coding change: c.173G>A on transcript NM_023110.3 (MANE Select); coding-DNA position 173, G replaced by A.
Protein change: p.Arg58Gln; replaces arginine 58 with glutamine.
Molecular consequence: missense variant. On other transcripts: intron variant (5).
Genome position (GRCh38, 1-based): chr8:38,429,867, C>T on the plus strand (G>A on the coding strand, the complement: FGFR1 is on the minus strand). VCF-style: chr8-38429867-C-T. GRCh37 (hg19) VCF-style: chr8-38287385-C-T.
Other names: c.92-1432G>A (NM_001354368.2, NM_001354370.2, NM_023106.3 and 2 more transcripts); c.173G>A, p.Arg58Gln (NM_001174063.2, NM_001174065.2, NM_001354367.2 and 2 more transcripts); c.149G>A, p.Arg50Gln (NM_001174064.2); c.272G>A, p.Arg91Gln (NM_001174067.2); short protein forms R58Q, R50Q, R91Q.
Identifiers: ClinVar variation 1416425 (VCV001416425.7), dbSNP rs200116660, ClinGen allele CA4718863.

ClinVar aggregate classification (germline): Uncertain significance. Review status: criteria provided, multiple submitters, no conflicts (2 of 4 stars). 2 submissions from 2 submitters: Uncertain significance (2). Last evaluated 2022-05-12.

Conditions:
Hypogonadotropic hypogonadism 2 with or without anosmia (HH2). Also called: HYPOGONADOTROPIC HYPOGONADISM 2 WITHOUT ANOSMIA; HYPOGONADOTROPIC HYPOGONADISM 2 WITH OR WITHOUT ANOSMIA, SUSCEPTIBILITY TO; HYPOGONADOTROPIC HYPOGONADISM 2 WITHOUT ANOSMIA, SUSCEPTIBILITY TO; FGFR1-Related GnRH Deficiency (Kallmann Syndrome 2). Identifiers: Orphanet 478, MedGen C1563720, MONDO:0007844, OMIM 147950. Disease mechanism: loss of function.
Pfeiffer syndrome (ACS5). Also called: ACS V. Identifiers: Orphanet 710, MedGen C0220658, MONDO:0007043, OMIM 101600.
Hartsfield-Bixler-Demyer syndrome (HRTFDS). Also called: FGFR1-Related Hartsfield Syndrome; Holoprosencephaly, ectrodactyly, and bilateral cleft lip/palate; Hartsfield syndrome. Identifiers: Orphanet 2117, MedGen C1845146, MONDO:0014196, OMIM 615465. Disease mechanism: loss of function.
Trigonocephaly 1 (TRIGNO1). Identifiers: Orphanet 3366, MedGen C0432122, MONDO:0008603, OMIM 190440.
Jackson-Weiss syndrome (JWS). Also called: CRANIOSYNOSTOSIS, MIDFACIAL HYPOPLASIA, AND FOOT ABNORMALITIES. Identifiers: Orphanet 1540, MedGen C0795998, MONDO:0007400, OMIM 123150. Disease mechanism: loss of function.
Encephalocraniocutaneous lipomatosis (ECCL). Identifiers: Orphanet 2396, MedGen C0406612, MONDO:0013074, OMIM 613001.
Osteoglophonic dysplasia (OGD). Also called: Osteoglophonic dwarfism. Identifiers: Orphanet 2645, MedGen C0432283, MONDO:0008150, OMIM 166250.

Allele frequency attached by ClinVar (database versions not stated): gnomAD 0.00001 and 0.00003; ExAC 0.00002; gnomAD exomes 0.00002; TOPMed 0.00002; 1000 Genomes Project 0.00020; 1000 Genomes Project 30x 0.00031.
gnomAD v4.1: 13 of 1,614,024 alleles (0.00081%); highest among the groups gnomAD compares: East Asian, 0.0089%; no homozygotes.

Submissions (2):

Fulgent Genetics
Classification: Uncertain significance for Pfeiffer syndrome; Jackson-Weiss syndrome; Hypogonadotropic hypogonadism 2 with or without anosmia; Osteoglophonic dysplasia; Trigonocephaly 1; Encephalocraniocutaneous lipomatosis; Hartsfield-Bixler-Demyer syndrome. Last evaluated: 2022-05-12. Review status: criteria provided, single submitter. Criteria: ACMG Guidelines, 2015. Collection method: clinical testing. Allele origin: unknown.

Labcorp Genetics (formerly Invitae), Labcorp
Classification: Uncertain significance for Pfeiffer syndrome; Hypogonadotropic hypogonadism 2 with or without anosmia. Last evaluated: 2022-03-08. Review status: criteria provided, single submitter. Criteria: Invitae Variant Classification Sherloc (09022015). Collection method: clinical testing. Allele origin: germline.
Comment: In summary, the available evidence is currently insufficient to determine the role of this variant in disease. Therefore, it has been classified as a Variant of Uncertain Significance. Algorithms developed to predict the effect of sequence changes on RNA splicing suggest that this variant may create or strengthen a splice site. Algorithms developed to predict the effect of missense changes on protein structure and function (SIFT, PolyPhen-2, Align-GVGD) all suggest that this variant is likely to be tolerated. This variant has not been reported in the literature in individuals affected with FGFR1-related conditions. This variant is present in population databases (rs200116660, gnomAD 0.02%). This sequence change replaces arginine, which is basic and polar, with glutamine, which is neutral and polar, at codon 58 of the FGFR1 protein (p.Arg58Gln).